The following is an entry in ClinVar:

ClinVar aggregate classification (germline): Uncertain significance (1 of 4 stars; one submission).

gnomAD v4.1: 2 of 1,613,584 alleles (0.00012%); highest among the groups gnomAD compares: Non-Finnish European, 0.00017%; no homozygotes.

Submission:

Labcorp Genetics (formerly Invitae), Labcorp
Classification: Uncertain significance. Last evaluated: 2025-10-11. Review status: criteria provided, single submitter. Criteria: Invitae Variant Classification Sherloc (09022015). Collection method: clinical testing. Allele origin: germline.
Comment: This sequence change replaces cysteine, which is neutral and slightly polar, with arginine, which is basic and polar, at codon 1913 of the SCN3A protein (p.Cys1913Arg). This variant is present in population databases (rs755958042, gnomAD 0.0009%). This variant has not been reported in the literature in individuals affected with SCN3A-related conditions. Invitae Evidence Modeling of protein sequence and biophysical properties (such as structural, functional, and spatial information, amino acid conservation, physicochemical variation, residue mobility, and thermodynamic stability) indicates that this missense variant is not expected to disrupt SCN3A protein function with a negative predictive value of 95%. In summary, the available evidence is currently insufficient to determine the role of this variant in disease. Therefore, it has been classified as a Variant of Uncertain Significance.

NM_006922.4(SCN3A):c.5737T>C (p.Cys1913Arg)

Gene: SCN3A (sodium voltage-gated channel alpha subunit 3; minus strand). Cytogenetic location: 2q24.3.
Variant type: single nucleotide variant.
Coding change: c.5737T>C on transcript NM_006922.4 (MANE Select); coding-DNA position 5737, T replaced by C.
Protein change: p.Cys1913Arg; replaces cysteine 1913 with arginine.
Molecular consequence: missense variant.
Genome position (GRCh38, 1-based): chr2:165,090,416, A>G on the plus strand (T>C on the coding strand, the complement: SCN3A is on the minus strand). VCF-style: chr2-165090416-A-G. GRCh37 (hg19) VCF-style: chr2-165946926-A-G.
Other names: c.5590T>C, p.Cys1864Arg (NM_001081676.2, NM_001081677.2); short protein forms C1864R, C1913R.
Identifiers: ClinVar variation 4800247 (VCV004800247.1).